The following is an entry in ClinVar:

NM_173628.4(DNAH17):c.3109G>C (p.Glu1037Gln)

Genes: DNAH17 (dynein axonemal heavy chain 17; minus strand), LOC126862656 (MED14-independent group 3 enhancer GRCh37_chr17:76528450-76529649; plus strand). Cytogenetic location: 17q25.3.
Variant type: single nucleotide variant.
Coding change: c.3109G>C on transcript NM_173628.4 (MANE Select); coding-DNA position 3109, G replaced by C.
Protein change: p.Glu1037Gln; replaces glutamic acid 1037 with glutamine.
Molecular consequence: missense variant.
Genome position (GRCh38, 1-based): chr17:78,532,487, C>G on the plus strand (G>C on the coding strand, the complement: DNAH17 is on the minus strand). VCF-style: chr17-78532487-C-G. GRCh37 (hg19) VCF-style: chr17-76528569-C-G.
Other names: short protein forms E1037Q.
Identifiers: ClinVar variation 3033384 (VCV003033384.2), dbSNP rs182157119, ClinGen allele CA8804384.
Genomic context (GRCh38, chr17:78,532,487, plus strand): 5'-CCTCTCCTGGAAGACTCTGGAGACAAGGAGGCTGGTGGGTGAGGTCTGCACGCACCTGCT[C>G]CTGGAACTGAGCCAGGGTGGGCGGTGTCTTGGGGATGGTGTCATCTGTCCAGGTGTCCAA-3'
Protein context (NP_775899.3, residues 1027-1047): KTPPTLAQFQ[Glu1037Gln]QIDSYEKLYE

ClinVar aggregate classification (germline): Likely benign (0 of 4 stars; one submission).

Conditions:
DNAH17-related disorder. Also called: DNAH17-related condition.

Allele frequency attached by ClinVar (database versions not stated): ExAC 0.00061; 1000 Genomes Project 0.00080; 1000 Genomes Project 30x 0.00109; gnomAD 0.00183; ESP Exome Variant Server 0.00217; TOPMed 0.00234.
gnomAD v4.1: 495 of 1,609,814 alleles (0.031%); highest among the groups gnomAD compares: African/African-American, 0.63%; no homozygotes.

Submission:

PreventionGenetics, part of Exact Sciences
Classification: Likely benign for DNAH17-related condition. Last evaluated: 2019-03-04. Review status: no assertion criteria provided. Collection method: clinical testing. Allele origin: germline.
Comment: This variant is classified as likely benign based on ACMG/AMP sequence variant interpretation guidelines (Richards et al. 2015 PMID: 25741868, with internal and published modifications).